The following is an entry in ClinVar:

NM_001005242.3(PKP2):c.1171-2A>G

Gene: PKP2 (plakophilin 2; minus strand). Cytogenetic location: 12p11.21.
Variant type: single nucleotide variant.
Coding change: c.1171-2A>G on transcript NM_001005242.3 (MANE Select); the canonical splice acceptor site of the intron before coding-DNA position 1171, A replaced by G.
Molecular consequence: splice acceptor variant.
Genome position (GRCh38, 1-based): chr12:32,850,975, T>C on the plus strand (A>G on the coding strand, the complement: PKP2 is on the minus strand). VCF-style: chr12-32850975-T-C. GRCh37 (hg19) VCF-style: chr12-33003909-T-C.
Other names: c.1171-2A>G (NM_001407156.1, NM_001407155.1, NM_004572.4 and 2 more transcripts); c.844-2A>G (NM_001407160.1, NM_001407159.1, NM_001407158.1 and 1 more transcripts).
Identifiers: ClinVar variation 202030 (VCV000202030.23), dbSNP rs794729133, ClinGen allele CA010887.

ClinVar aggregate classification (germline): Pathogenic/Likely pathogenic. Review status: criteria provided, multiple submitters, no conflicts (2 of 4 stars). 7 submissions from 7 submitters: Pathogenic (5); Likely pathogenic (2). Last evaluated 2025-06-25.

Conditions:
PKP2-related disorder. Also called: PKP2-related condition.
Cardiovascular phenotype. Identifiers: MedGen CN230736.
Cardiomyopathy (CMYO). Also called: Cardiomyopathies. Identifiers: Orphanet 167848, MedGen C0878544, MONDO:0004994, HP:0001638. Inheritance: Various modes of inheritance.
Arrhythmogenic right ventricular cardiomyopathy (ARVD). Also called: Arrhythmogenic cardiomyopathy; Cardiomyopathy, ARVC; Arrhythmogenic right ventricular dysplasia; Arrhythmogenic Right Ventricular Cardiomyopathy (ARVC). Identifiers: Orphanet 247, MedGen C0349788, MeSH D019571, MONDO:0016587. Disease mechanism: loss of function. Inheritance: Various modes of inheritance.
Arrhythmogenic right ventricular dysplasia 9 (ARVD9). Also called: ARRHYTHMOGENIC RIGHT VENTRICULAR DYSPLASIA, FAMILIAL, 9; Arrhythmogenic Right Ventricular Dysplasia/Cardiomyopathy 9. Identifiers: MedGen C1836906, MONDO:0012180, OMIM 609040.

Allele frequency attached by ClinVar (database versions not stated): gnomAD 0.00001; TOPMed 0.00002.
gnomAD v4.1: 1 of 1,613,048 alleles (0.000062%); highest among the groups gnomAD compares: African/African-American, 0.0013%; no homozygotes.

Submissions (7):

GeneDx
Classification: Pathogenic. Last evaluated: 2025-06-25. Review status: criteria provided, single submitter. Criteria: GeneDx Variant Classification Process June 2021. Collection method: clinical testing. Allele origin: germline. Affected: yes.
Comment: Canonical splice site variant predicted to result in a null allele in a gene for which loss of function is a known mechanism of disease; Not observed at significant frequency in large population cohorts (gnomAD); This variant is associated with the following publications: (PMID: 25820315, 20152563, 24125834, 16549640, 20031617, 20857253, 23671136, 25616645, 29759408, 30847666, 31386562, 31402444, 25196244, 28588093)

Labcorp Genetics (formerly Invitae), Labcorp
Classification: Pathogenic for Arrhythmogenic right ventricular dysplasia 9. Last evaluated: 2025-02-09. Review status: criteria provided, single submitter. Criteria: Invitae Variant Classification Sherloc (09022015). Collection method: clinical testing. Allele origin: germline.
Comment: This sequence change affects an acceptor splice site in intron 4 of the PKP2 gene. It is expected to disrupt RNA splicing. Variants that disrupt the donor or acceptor splice site typically lead to a loss of protein function (PMID: 16199547), and loss-of-function variants in PKP2 are known to be pathogenic (PMID: 15489853, 17041889, 23911551). This variant is not present in population databases (gnomAD no frequency). Disruption of this splice site has been observed in individuals with arrhythmogenic right ventricular cardiomyopathy (PMID: 16549640, 25196244). ClinVar contains an entry for this variant (Variation ID: 202030). Algorithms developed to predict the effect of sequence changes on RNA splicing suggest that this variant may disrupt the consensus splice site. For these reasons, this variant has been classified as Pathogenic.

All of Us Research Program, National Institutes of Health
Classification: Likely pathogenic for Arrhythmogenic right ventricular cardiomyopathy. Last evaluated: 2024-07-29. Review status: criteria provided, single submitter. Criteria: ACMG Guidelines, 2015. Collection method: clinical testing. Allele origin: germline. Inheritance: Autosomal dominant inheritance. Observed: 1 variant allele, 1 heterozygote.
Comment: This variant causes a A to G nucleotide substitution at the -2 position of intron 4 splice acceptor site of the PKP2 gene. Splice site prediction tools predict that this variant may have a significant impact on RNA splicing. Although this prediction has not been confirmed in published RNA studies, this variant is expected to result in an absent or disrupted protein product. This variant has been reported in at least three unrelated individuals affected with arrhythmogenic cardiomyopathy (PMID: 24125834, 25196244, 25820315, 28588093, 30847666). This variant has not been identified in the general population by the Genome Aggregation Database (gnomAD). Loss of PKP2 function is a known mechanism of disease. Based on available evidence, this variant is classified as Likely Pathogenic.

This study involves interpretation of variants in research participants for the purpose of population health screening. Participant phenotype was not available at the time of variant classification. Additional details can be found in publication PMID: 35346344, PMCID: PMC8962531

Color Diagnostics, LLC DBA Color Health
Classification: Likely pathogenic for Cardiomyopathy. Last evaluated: 2024-05-06. Review status: criteria provided, single submitter. Criteria: ACMG Guidelines, 2015. Collection method: clinical testing. Allele origin: germline.
Comment: This variant causes a A to G nucleotide substitution at the -2 position of intron 4 splice acceptor site of the PKP2 gene. Splice site prediction tools predict that this variant may have a significant impact on RNA splicing. Although this prediction has not been confirmed in published RNA studies, this variant is expected to result in an absent or disrupted protein product. This variant has been reported in at least three unrelated individuals affected with arrhythmogenic cardiomyopathy (PMID: 24125834, 25196244, 25820315, 28588093, 30847666). This variant has not been identified in the general population by the Genome Aggregation Database (gnomAD). Loss of PKP2 function is a known mechanism of disease. Based on available evidence, this variant is classified as Likely Pathogenic.

Blueprint Genetics
Classification: Pathogenic for PKP2-related disorders. Last evaluated: 2022-05-25. Review status: criteria provided, single submitter. Criteria: ACMG Guidelines, 2015. Collection method: clinical testing. Allele origin: germline. Affected: yes. Observed: 5 variant alleles.

CHEO Genetics Diagnostic Laboratory, Children's Hospital of Eastern Ontario
Classification: Pathogenic for Cardiomyopathy. Last evaluated: 2021-07-06. Review status: criteria provided, single submitter. Criteria: ACMG Guidelines, 2015. Collection method: clinical testing. Allele origin: germline.

Ambry Genetics
Classification: Pathogenic for Cardiovascular phenotype. Last evaluated: 2019-10-18. Review status: criteria provided, single submitter. Criteria: Ambry Variant Classification Scheme 2023. Collection method: clinical testing. Allele origin: germline.
Comment: The c.1171-2A>G intronic pathogenic mutation results from an A to G substitution two nucleotides upstream from coding exon 5 in the PKP2 gene. This mutation has been detected several times in arrhythmogenic right ventricular dysplasia/cardiomyopathy (ARVD/C) cohorts (Dalal D et al. Circulation, 2006 Apr;113:1641-9; den Haan AD et al. Circ Cardiovasc Genet, 2009 Oct;2:428-35; Tan BY et al. J Cardiovasc Transl Res, 2010 Dec;3:663-73; Ermakov S et al. Pacing Clin Electrophysiol, 2014 Dec;37:1708-16; Bao J et al. Circ Cardiovasc Genet, 2013 Dec;6:552-6). In addition to the clinical data presented in the literature, alterations that disrupt the canonical splice site are expected to cause aberrant splicing, resulting in an abnormal protein or a transcript that is subject to nonsense-mediated mRNA decay. As such, this alteration is classified as a disease-causing mutation.

Literature cited by the submitters: PubMed 16199547 (cited by Labcorp Genetics (formerly Invitae), Labcorp); PubMed 15489853 (cited by Labcorp Genetics (formerly Invitae), Labcorp); PubMed 17041889 (cited by Labcorp Genetics (formerly Invitae), Labcorp); PubMed 23911551 (cited by Labcorp Genetics (formerly Invitae), Labcorp); PubMed 16549640 (cited by Labcorp Genetics (formerly Invitae), Labcorp and Ambry Genetics); PubMed 25196244 (cited by 4 submitters); PubMed 24125834 (cited by 3 submitters); PubMed 25820315 (cited by All of Us Research Program, National Institutes of Health and Color Diagnostics, LLC DBA Color Health); PubMed 28588093 (cited by All of Us Research Program, National Institutes of Health and Color Diagnostics, LLC DBA Color Health); PubMed 30847666 (cited by All of Us Research Program, National Institutes of Health and Color Diagnostics, LLC DBA Color Health); PubMed 20031617 (cited by Ambry Genetics); PubMed 20857253 (cited by Ambry Genetics); PubMed 23671136 (cited by Ambry Genetics).